The following is an entry in ClinVar:

ClinVar aggregate classification (germline): Uncertain significance. Review status: criteria provided, multiple submitters, no conflicts (2 of 4 stars). 2 submissions from 2 submitters: Uncertain significance (2). Last evaluated 2022-01-28.

Conditions:
Congenital myopathy with internal nuclei and atypical cores. Also called: Myopathy, centronuclear, 4. Identifiers: Orphanet 319160, MedGen C4707232, MONDO:0013890, OMIM 614807.

Allele frequency attached by ClinVar (database versions not stated): gnomAD 0.00001; gnomAD exomes 0.00001; TOPMed 0.00001.
gnomAD v4.1: 10 of 1,550,370 alleles (0.00065%); highest among the groups gnomAD compares: Non-Finnish European, 0.00078%; no homozygotes.

Submissions (2):

Labcorp Genetics (formerly Invitae), Labcorp
Classification: Uncertain significance for Congenital myopathy with internal nuclei and atypical cores. Last evaluated: 2022-01-28. Review status: criteria provided, single submitter. Criteria: Invitae Variant Classification Sherloc (09022015). Collection method: clinical testing. Allele origin: germline.
Comment: This sequence change replaces leucine, which is neutral and non-polar, with valine, which is neutral and non-polar, at codon 51 of the CCDC78 protein (p.Leu51Val). The frequency data for this variant in the population databases is considered unreliable, as metrics indicate poor data quality at this position in the gnomAD database. This variant has not been reported in the literature in individuals affected with CCDC78-related conditions. ClinVar contains an entry for this variant (Variation ID: 420661). Algorithms developed to predict the effect of missense changes on protein structure and function are either unavailable or do not agree on the potential impact of this missense change (SIFT: "Tolerated"; PolyPhen-2: "Possibly Damaging"; Align-GVGD: "Class C0"). In summary, the available evidence is currently insufficient to determine the role of this variant in disease. Therefore, it has been classified as a Variant of Uncertain Significance.

GeneDx
Classification: Uncertain significance. Last evaluated: 2016-03-10. Review status: criteria provided, single submitter. Criteria: GeneDx Variant Classification (06012015). Collection method: clinical testing. Allele origin: germline. Affected: yes.
Comment: The L51V variant in the CCDC78 gene has not been reported previously as a pathogenic variant, nor as a benign variant, to our knowledge. The L51V variant was not observed in approximately 6,300 individuals of European and African American ancestry in the NHLBI Exome Sequencing Project, indicating it is not a common benign variant in these populations. The L51V variant is a non-conservative amino acid substitution, which is likely to impact secondary protein structure as these residues differ in polarity, charge, size and/or other properties. However, this substitution occurs at a position that is not conserved. In silico analysis is inconsistent in its predictions as to whether or not the variant is damaging to the protein structure/function. We interpret L51V as a variant of uncertain significance.

NM_001378030.1(CCDC78):c.151C>G (p.Leu51Val)

Gene: CCDC78 (coiled-coil domain containing 78; minus strand). Cytogenetic location: 16p13.3.
Variant type: single nucleotide variant.
Coding change: c.151C>G on transcript NM_001378030.1 (MANE Select); coding-DNA position 151, C replaced by G.
Protein change: p.Leu51Val; replaces leucine 51 with valine.
Molecular consequence: missense variant. On other transcripts: 5 prime UTR variant (1), non-coding transcript variant (5).
Genome position (GRCh38, 1-based): chr16:725,995, G>C on the plus strand (C>G on the coding strand, the complement: CCDC78 is on the minus strand). VCF-style: chr16-725995-G-C. GRCh37 (hg19) VCF-style: chr16-775995-G-C.
Other names: c.151C>G, p.Leu51Val (NM_001031737.3, NM_001378031.1); c.-135C>G (NM_001378033.1); short protein forms L51V.
Identifiers: ClinVar variation 420661 (VCV000420661.6), dbSNP rs1064794620, ClinGen allele CA16620268.
Genomic context (GRCh38, chr16:725,995, plus strand): 5'-CCTCACGAGCACGCTGGGGCCCCACACCCACCTGCAGCTGCTGCTCCTTATTGAGCGCTA[G>C]ATCTGGTGGGACCTCTGCTTCCAAGCTGGTGGCCCACACTGCGGTGCCCCCAGGAGCTCC-3'
Protein context (NP_001364959.1, residues 41-61): TSLEAEVPPD[Leu51Val]ALNKEQQLQI